The following is an entry in ClinVar:

ClinVar aggregate classification (germline): Uncertain significance (1 of 4 stars; one submission).

gnomAD v4.1: 1 of 1,613,994 alleles (0.000062%); highest among the groups gnomAD compares: Non-Finnish European, 0.000085%; no homozygotes.

Submission:

Mayo Clinic Laboratories, Mayo Clinic
Classification: Uncertain significance. Last evaluated: 2024-07-09. Review status: criteria provided, single submitter. Criteria: ACMG Guidelines, 2015. Collection method: clinical testing. Allele origin: germline. Observed: 1 variant allele.
Comment: BP4, PM2

NM_017802.4(DNAAF5):c.2089G>A (p.Asp697Asn)

Gene: DNAAF5 (dynein axonemal assembly factor 5; plus strand). Cytogenetic location: 7p22.3.
Variant type: single nucleotide variant.
Coding change: c.2089G>A on transcript NM_017802.4 (MANE Select); coding-DNA position 2089, G replaced by A.
Protein change: p.Asp697Asn; replaces aspartic acid 697 with asparagine.
Molecular consequence: missense variant. On other transcripts: non-coding transcript variant (1).
Genome position (GRCh38, 1-based): chr7:775,012, G>A. VCF-style: chr7-775012-G-A. GRCh37 (hg19) VCF-style: chr7-814649-G-A.
Other names: p.Asp697Asn; short protein forms D697N.
Identifiers: ClinVar variation 3379733 (VCV003379733.1).